The following is an entry in ClinVar:

ClinVar aggregate classification (germline): Conflicting classifications of pathogenicity. Review status: criteria provided, conflicting classifications (1 of 4 stars). 3 submissions from 3 submitters: Uncertain significance (2); Likely benign (1). Last evaluated 2026-01-14.

Conditions:
CCBE1-related disorder. Also called: CCBE1-related condition.
Hennekam lymphangiectasia-lymphedema syndrome 1 (HKLLS1). Also called: LYMPHATIC DYSPLASIA, GENERALIZED. Identifiers: Orphanet 2136, MedGen C4012050, MONDO:0009337, OMIM 235510.

Allele frequency attached by ClinVar (database versions not stated): gnomAD exomes 0.00019 and 0.00038; 1000 Genomes Project 0.00040; ExAC 0.00044; 1000 Genomes Project 30x 0.00062; gnomAD 0.00085 and 0.00096; TOPMed 0.00122; ESP Exome Variant Server 0.00131.
gnomAD v4.1: 418 of 1,613,386 alleles (0.026%); highest among the groups gnomAD compares: African/African-American, 0.26%; 1 homozygote.

Submissions (3):

Labcorp Genetics (formerly Invitae), Labcorp
Classification: Likely benign. Last evaluated: 2026-01-14. Review status: criteria provided, single submitter. Criteria: Invitae Variant Classification Sherloc (09022015). Collection method: clinical testing. Allele origin: germline.

PreventionGenetics, part of Exact Sciences
Classification: Uncertain significance for CCBE1-related condition. Last evaluated: 2022-12-07. Review status: criteria provided, single submitter. Criteria: ACMG Guidelines, 2015. Collection method: clinical testing. Allele origin: germline.
Comment: The CCBE1 c.431C>T variant is predicted to result in the amino acid substitution p.Thr144Met. To our knowledge, this variant has not been reported in the literature. This variant is reported in 0.28% of alleles in individuals of African descent in gnomAD, including two homozygous individuals. Although we suspect that this variant may be benign, at this time, the clinical significance of this variant is uncertain due to the absence of conclusive functional and genetic evidence.

Illumina Laboratory Services, Illumina
Classification: Uncertain significance for Hennekam lymphangiectasia-lymphedema syndrome 1. Last evaluated: 2018-01-12. Review status: criteria provided, single submitter. Criteria: ICSL Variant Classification Criteria 13 December 2019. Collection method: clinical testing. Allele origin: germline.

NM_133459.4(CCBE1):c.431C>T (p.Thr144Met)

Gene: CCBE1 (collagen and calcium binding EGF domains 1; minus strand). Cytogenetic location: 18q21.32.
Variant type: single nucleotide variant.
Coding change: c.431C>T on transcript NM_133459.4 (MANE Select); coding-DNA position 431, C replaced by T.
Protein change: p.Thr144Met; replaces threonine 144 with methionine.
Molecular consequence: missense variant.
Genome position (GRCh38, 1-based): chr18:59,466,861, G>A on the plus strand (C>T on the coding strand, the complement: CCBE1 is on the minus strand). VCF-style: chr18-59466861-G-A. GRCh37 (hg19) VCF-style: chr18-57134093-G-A.
Other names: c.431C>T, p.Thr144Met (LRG_1209t1); short protein forms T144M.
Identifiers: ClinVar variation 327707 (VCV000327707.14), dbSNP rs147974432, ClinGen allele CA8980493.